The following is an entry in ClinVar:

NM_002439.5(MSH3):c.3053A>G (p.Glu1018Gly)

Gene: MSH3 (mutS homolog 3; plus strand). Cytogenetic location: 5q14.1.
Variant type: single nucleotide variant.
Coding change: c.3053A>G on transcript NM_002439.5 (MANE Select); coding-DNA position 3053, A replaced by G.
Protein change: p.Glu1018Gly; replaces glutamic acid 1018 with glycine.
Molecular consequence: missense variant.
Genome position (GRCh38, 1-based): chr5:80,864,865, A>G. VCF-style: chr5-80864865-A-G. GRCh37 (hg19) VCF-style: chr5-80160684-A-G.
Other names: short protein forms E1018G.
Identifiers: ClinVar variation 2859991 (VCV002859991.3), dbSNP rs2478789175, ClinGen allele CA360346233.

ClinVar aggregate classification (germline): Uncertain significance (1 of 4 stars; one submission).

Submission:

Labcorp Genetics (formerly Invitae), Labcorp
Classification: Uncertain significance. Last evaluated: 2023-04-28. Review status: criteria provided, single submitter. Criteria: Invitae Variant Classification Sherloc (09022015). Collection method: clinical testing. Allele origin: germline.
Comment: In summary, the available evidence is currently insufficient to determine the role of this variant in disease. Therefore, it has been classified as a Variant of Uncertain Significance. An algorithm developed to predict the effect of missense changes on protein structure and function (PolyPhen-2) suggests that this variant is likely to be disruptive. This variant has not been reported in the literature in individuals affected with MSH3-related conditions. This variant is not present in population databases (gnomAD no frequency). This sequence change replaces glutamic acid, which is acidic and polar, with glycine, which is neutral and non-polar, at codon 1018 of the MSH3 protein (p.Glu1018Gly).